The following is an entry in ClinVar:

NM_000642.3(AGL):c.323T>C (p.Val108Ala)

Gene: AGL (amylo-alpha-1,6-glucosidase and 4-alpha-glucanotransferase; plus strand). Cytogenetic location: 1p21.2.
Variant type: single nucleotide variant.
Coding change: c.323T>C on transcript NM_000642.3 (MANE Select); coding-DNA position 323, T replaced by C.
Protein change: p.Val108Ala; replaces valine 108 with alanine.
Molecular consequence: missense variant.
Genome position (GRCh38, 1-based): chr1:99,862,286, T>C. VCF-style: chr1-99862286-T-C. GRCh37 (hg19) VCF-style: chr1-100327842-T-C.
Other names: c.323T>C (NM_000642.2); c.323T>C, p.Val108Ala (NM_000028.3, NM_000643.3, NM_000644.3 and 5 more transcripts); c.275T>C, p.Val92Ala (NM_000646.3); short protein forms V108A, V92A.
Identifiers: ClinVar variation 2145411 (VCV002145411.5), dbSNP rs2524498095, ClinGen allele CA341330701.
Genomic context (GRCh38, chr1:99,862,286, plus strand): 5'-TGAAAAGTTTTTGTTTTGTTTTTTCCCTTAGAAATGAGAAAAGTGGTGGAGGTTACATAG[T>C]TGTGGACCCCATTTTACGTGTTGGTGCTGATAATCATGTGCTACCCTTGGACTGTGTTAC-3'
Protein context (NP_000633.2, residues 98-118): GNEKSGGGYI[Val108Ala]VDPILRVGAD

ClinVar aggregate classification (germline): Uncertain significance. Review status: criteria provided, multiple submitters, no conflicts (2 of 4 stars). 2 submissions from 2 submitters: Uncertain significance (2). Last evaluated 2024-11-08.

Conditions:
Glycogen storage disease type III (GSD3). Also called: Cori disease; FORBES DISEASE. Identifiers: Orphanet 366, MedGen C0017922, MONDO:0009291, OMIM 232400.
Inborn genetic diseases. Identifiers: MedGen C0950123, MeSH D030342.

Allele frequency attached by ClinVar (database versions not stated): gnomAD exomes below 0.00001.
gnomAD v4.1: 2 of 1,614,134 alleles (0.00012%); highest among the groups gnomAD compares: Admixed American, 0.0017%; no homozygotes.

Submissions (2):

Ambry Genetics
Classification: Uncertain significance for Inborn genetic diseases. Last evaluated: 2024-11-08. Review status: criteria provided, single submitter. Criteria: Ambry Variant Classification Scheme 2023. Collection method: clinical testing. Allele origin: germline.

Labcorp Genetics (formerly Invitae), Labcorp
Classification: Uncertain significance for Glycogen storage disease type III. Last evaluated: 2023-10-02. Review status: criteria provided, single submitter. Criteria: Invitae Variant Classification Sherloc (09022015). Collection method: clinical testing. Allele origin: germline.
Comment: This sequence change replaces valine, which is neutral and non-polar, with alanine, which is neutral and non-polar, at codon 108 of the AGL protein (p.Val108Ala). This variant is not present in population databases (gnomAD no frequency). This variant has not been reported in the literature in individuals affected with AGL-related conditions. ClinVar contains an entry for this variant (Variation ID: 2145411). Advanced modeling of protein sequence and biophysical properties (such as structural, functional, and spatial information, amino acid conservation, physicochemical variation, residue mobility, and thermodynamic stability) performed at Invitae indicates that this missense variant is expected to disrupt AGL protein function. In summary, the available evidence is currently insufficient to determine the role of this variant in disease. Therefore, it has been classified as a Variant of Uncertain Significance.